The following is an entry in ClinVar:

NM_000545.8(HNF1A):c.1641_1642del (p.Glu548fs)

Gene: HNF1A (HNF1 homeobox A; plus strand). Cytogenetic location: 12q24.31.
Variant type: Deletion.
Coding change: c.1641_1642del on transcript NM_000545.8 (MANE Select); coding-DNA positions 1641 to 1642, 2 bases deleted (TG; older notation c.1641_1642delTG).
Protein change: p.Glu548fs; shifts the reading frame from glutamic acid 548.
Molecular consequence: frameshift variant.
Genome position (GRCh38, 1-based): chr12:120,999,500-120,999,501, TG deleted. VCF-style (leftmost placement, unchanged base first): chr12-120999499-CTG-C. GRCh37 (hg19) VCF-style: chr12-121437302-CTG-C.
Other names: c.1662_1663del, p.Glu555fs (NM_001306179.2); short protein forms E548fs, E555fs.
Identifiers: ClinVar variation 1256571 (VCV001256571.1), dbSNP rs2135851223, ClinGen allele CA658820842.

ClinVar aggregate classification (germline): Pathogenic (1 of 4 stars; one submission).

Submission:

Athena Diagnostics
Classification: Pathogenic. Last evaluated: 2020-09-24. Review status: criteria provided, single submitter. Criteria: Athena Diagnostics criteria. Collection method: clinical testing. Allele origin: unknown.
Comment: This variant is expected to result in the loss of a functional protein. This variant has not been reported in large, multi-ethnic general populations. This variant has been identified in at least one individual with clinical features associated with this gene. Assessment of experimental evidence suggests this variant results in abnormal protein function. Studies showed reduction in mRNA levels and loss of transactivation activity (PMID: 12530534, 10585442).

Literature cited by the submitters: PubMed 10585442; PubMed 12530534; PubMed 8945470.